The following is an entry in ClinVar:

NM_005202.4(COL8A2):c.1746C>T (p.Thr582=)

Gene: COL8A2 (collagen type VIII alpha 2 chain; minus strand). Cytogenetic location: 1p34.3.
Variant type: single nucleotide variant.
Coding change: c.1746C>T on transcript NM_005202.4 (MANE Select); coding-DNA position 1746, C replaced by T.
Protein change: p.Thr582=; no amino-acid change (threonine 582 retained).
Molecular consequence: synonymous variant.
Genome position (GRCh38, 1-based): chr1:36,097,935, G>A on the plus strand (C>T on the coding strand, the complement: COL8A2 is on the minus strand). VCF-style: chr1-36097935-G-A. GRCh37 (hg19) VCF-style: chr1-36563536-G-A.
Other names: c.1551C>T, p.Thr517= (NM_001294347.2).
Identifiers: ClinVar variation 771113 (VCV000771113.37), dbSNP rs149090218, ClinGen allele CA764883.
Genomic context (GRCh38, chr1:36,097,935, plus strand): 5'-GTGGCCATTGTAGAGAGTCCGGTCAAATTTCACGGGCATGCCCGAGGCGGGGAAGGGCGA[G>A]GTGAGCACCGCAGTGAAGGCCGGTGTGGCATGGGCAGACAGCTCGCCCAGCCCAAACTGT-3'
Protein context (NP_005193.1, residues 572-592): HATPAFTAVL[Thr582=]SPFPASGMPV

ClinVar aggregate classification (germline): Benign/Likely benign. Review status: criteria provided, multiple submitters, no conflicts (2 of 4 stars). 5 submissions from 5 submitters: Benign (3); Likely benign (2). Last evaluated 2025-12-29.

Allele frequency attached by ClinVar (database versions not stated): 1000 Genomes Project 30x 0.00141; 1000 Genomes Project 0.00180; TOPMed 0.00246; gnomAD 0.00298 and 0.00309; gnomAD exomes 0.00320 and 0.00344; ExAC 0.00332; ESP Exome Variant Server 0.00354.
gnomAD v4.1: 5,472 of 1,610,776 alleles (0.34%); highest among the groups gnomAD compares: Non-Finnish European, 0.38%; 11 homozygotes.

Submissions (5):

Labcorp Genetics (formerly Invitae), Labcorp
Classification: Benign. Last evaluated: 2025-12-29. Review status: criteria provided, single submitter. Criteria: Invitae Variant Classification Sherloc (09022015). Collection method: clinical testing. Allele origin: germline.

Blueprint Genetics
Classification: Likely benign. Last evaluated: 2024-11-21. Review status: criteria provided, single submitter. Criteria: ACMG Guidelines, 2015. Collection method: clinical testing. Allele origin: germline.

CeGaT Center for Human Genetics Tuebingen
Classification: Likely benign. Last evaluated: 2024-06-01. Review status: criteria provided, single submitter. Criteria: CeGaT Center For Human Genetics Tuebingen Variant Classification Criteria Version 2. Collection method: clinical testing. Allele origin: germline. Affected: yes. Observed: 2 variant alleles.
Comment: COL8A2: BP4, BP7

GeneDx
Classification: Benign. Last evaluated: 2020-11-30. Review status: criteria provided, single submitter. Criteria: GeneDx Variant Classification Process June 2021. Collection method: clinical testing. Allele origin: germline. Affected: yes.

Breakthrough Genomics
Classification: Benign. Review status: criteria provided, single submitter. Criteria: ACMG Guidelines, 2015. Collection method: not provided. Allele origin: germline. Inheritance: Autosomal dominant inheritance. Affected: yes.